The following is an entry in ClinVar:

ClinVar aggregate classification (germline): Uncertain significance. Review status: criteria provided, multiple submitters, no conflicts (2 of 4 stars). 2 submissions from 2 submitters: Uncertain significance (2). Last evaluated 2025-12-10.

Conditions:
Cardiovascular phenotype. Identifiers: MedGen CN230736.

gnomAD v4.1: 22 of 1,550,130 alleles (0.0014%); highest among the groups gnomAD compares: Non-Finnish European, 0.0018%; no homozygotes.

Submissions (2):

Women's Health and Genetics/Laboratory Corporation of America, LabCorp
Classification: Uncertain significance. Last evaluated: 2025-12-10. Review status: criteria provided, single submitter. Criteria: LabCorp Variant Classification Summary - May 2015. Collection method: clinical testing. Allele origin: germline.
Comment: Variant summary: ZNF469 c.11735A>C (p.His3912Pro) results in a non-conservative amino acid change in the encoded protein sequence. Algorithms developed to predict the effect of missense changes on protein structure and function are either unavailable or do not agree on the potential impact of this missense change. The variant was absent in 152712 control chromosomes. The available data on variant occurrences in the general population are insufficient to allow any conclusion about variant significance. To our knowledge, no occurrence of c.11735A>C in individuals affected with ZNF469-related conditions and no experimental evidence demonstrating its impact on protein function have been reported. ClinVar contains an entry for this variant (Variation ID: 3258216). Based on the evidence outlined above, the variant was classified as uncertain significance.

Ambry Genetics
Classification: Uncertain significance for Cardiovascular phenotype. Last evaluated: 2024-03-24. Review status: criteria provided, single submitter. Criteria: Ambry Variant Classification Scheme 2023. Collection method: clinical testing. Allele origin: germline.
Comment: The p.H3884P variant (also known as c.11651A>C), located in coding exon 2 of the ZNF469 gene, results from an A to C substitution at nucleotide position 11651. The histidine at codon 3884 is replaced by proline, an amino acid with similar properties. This amino acid position is conserved. In addition, this alteration is predicted to be tolerated by in silico analysis. Based on the available evidence, the clinical significance of this alteration remains unclear.

NM_001367624.2(ZNF469):c.11735A>C (p.His3912Pro)

Gene: ZNF469 (zinc finger protein 469; plus strand). Cytogenetic location: 16q24.2.
Variant type: single nucleotide variant.
Coding change: c.11735A>C on transcript NM_001367624.2 (MANE Select); coding-DNA position 11735, A replaced by C.
Protein change: p.His3912Pro; replaces histidine 3912 with proline.
Molecular consequence: missense variant.
Genome position (GRCh38, 1-based): chr16:88,439,205, A>C. VCF-style: chr16-88439205-A-C. GRCh37 (hg19) VCF-style: chr16-88505613-A-C.
Other names: NM_001127464.1:c.11651A>C; short protein forms H3912P.
Identifiers: ClinVar variation 3258216 (VCV003258216.2).